The following is an entry in ClinVar:

ClinVar aggregate classification (germline): Pathogenic (1 of 4 stars; one submission).

Conditions:
Kabuki syndrome 2 (KABUK2). Also called: KDM6A-Related Kabuki Syndrome. Identifiers: Orphanet 2322, MedGen C3275495, MONDO:0010465, OMIM 300867.

Submission:

Medical Genetics Laboratory, Etlik City Hospital
Classification: Pathogenic for Kabuki syndrome 2. Last evaluated: 2024-08-23. Review status: criteria provided, single submitter. Criteria: ACMG Guidelines, 2015. Collection method: clinical testing. Allele origin: de novo. Inheritance: X-linked inheritance. Affected: yes. Observed: 1 heterozygote.
Comment: This deletion in KDM6A causes frame shift in reading frame which creates premature stop codon at amino acid position 249. The variant has not been previously reported in the literature (PubMed, LitVar2), or in the population data (GnomAD). Truncated transcript predicted to go nonsense mediated mRNA decay. Subsequent Sanger sequencing confirmed variant's de novo inheritance. The proband showed complete compatibility with the related condition. The variant evaluated as pathogenic according to ACMG criteria(PVS1, PM2, PP4).

Literature cited by the submitters: DOI 10.1159/000540207.

NM_001291415.2(KDM6A):c.737del (p.Leu246fs)

Gene: KDM6A (lysine demethylase 6A; plus strand). Cytogenetic location: Xp11.3.
Variant type: Deletion.
Coding change: c.737del on transcript NM_001291415.2 (MANE Select); coding-DNA position 737, one base deleted (T; older notation c.737delT).
Protein change: p.Leu246fs; shifts the reading frame from leucine 246.
Molecular consequence: frameshift variant. On other transcripts: 5 prime UTR variant (1), non-coding transcript variant (1).
Genome position (GRCh38, 1-based): chrX:45,051,791, T deleted; the last of 2 consecutive T bases (chrX:45,051,790-45,051,791); deleting either gives the same sequence. VCF-style (leftmost placement, unchanged base first): chrX-45051789-CT-C. GRCh37 (hg19) VCF-style: chrX-44911034-CT-C.
Other names: c.737del, p.Leu246fs (NM_001291416.2, NM_001291417.2, NM_001291418.2 and 9 more transcripts); c.-17del (NM_001291421.2); short protein forms L246fs.
Identifiers: ClinVar variation 3338113 (VCV003338113.2).